The following is an entry in ClinVar:

ClinVar aggregate classification (germline): Uncertain significance. Review status: criteria provided, multiple submitters, no conflicts (2 of 4 stars). 2 submissions from 2 submitters: Uncertain significance (2). Last evaluated 2026-07-29.

Conditions:
Cardiovascular phenotype. Identifiers: MedGen CN230736.

Allele frequency attached by ClinVar (database versions not stated): gnomAD 0.00001.
gnomAD v4.1: 1 of 1,614,138 alleles (0.000062%); highest among the groups gnomAD compares: African/African-American, 0.0013%; no homozygotes.

Submissions (2):

Ambry Genetics
Classification: Uncertain significance for Cardiovascular phenotype. Last evaluated: 2026-07-29. Review status: criteria provided, single submitter. Criteria: Ambry Variant Classification Scheme 2023. Collection method: clinical testing. Allele origin: germline.

Labcorp Genetics (formerly Invitae), Labcorp
Classification: Uncertain significance. Last evaluated: 2022-04-15. Review status: criteria provided, single submitter. Criteria: Invitae Variant Classification Sherloc (09022015). Collection method: clinical testing. Allele origin: germline.
Comment: In summary, the available evidence is currently insufficient to determine the role of this variant in disease. Therefore, it has been classified as a Variant of Uncertain Significance. Algorithms developed to predict the effect of missense changes on protein structure and function are either unavailable or do not agree on the potential impact of this missense change (SIFT: "Deleterious"; PolyPhen-2: "Probably Damaging"; Align-GVGD: "Class C0"). This variant has not been reported in the literature in individuals affected with ALPK3-related conditions. This variant is not present in population databases (gnomAD no frequency). This sequence change replaces threonine, which is neutral and polar, with asparagine, which is neutral and polar, at codon 1757 of the ALPK3 protein (p.Thr1757Asn).

NM_020778.5(ALPK3):c.4664C>A (p.Thr1555Asn)

Gene: ALPK3 (alpha kinase 3; plus strand). Cytogenetic location: 15q25.3.
Variant type: single nucleotide variant.
Coding change: c.4664C>A on transcript NM_020778.5 (MANE Select); coding-DNA position 4664, C replaced by A.
Protein change: p.Thr1555Asn; replaces threonine 1555 with asparagine.
Molecular consequence: missense variant.
Genome position (GRCh38, 1-based): chr15:84,864,606, C>A. VCF-style: chr15-84864606-C-A. GRCh37 (hg19) VCF-style: chr15-85407837-C-A.
Other names: c.5270C>A (NM_020778.4); short protein forms T1555N.
Identifiers: ClinVar variation 2085494 (VCV002085494.5), dbSNP rs1963983933, ClinGen allele CA393365253.